The following is an entry in ClinVar:

ClinVar aggregate classification (germline): Likely benign (1 of 4 stars; one submission).

gnomAD v4.1: 43 of 1,614,082 alleles (0.0027%); highest among the groups gnomAD compares: Admixed American, 0.053%; 1 homozygote.

Submission:

CeGaT Center for Human Genetics Tuebingen
Classification: Likely benign. Last evaluated: 2026-01-01. Review status: criteria provided, single submitter. Criteria: CeGaT Center For Human Genetics Tuebingen Variant Classification Criteria Version 2. Collection method: clinical testing. Allele origin: germline. Affected: yes. Observed: 1 variant allele.
Comment: EIF4A2: BP4, BS2

NM_001967.4(EIF4A2):c.291T>A (p.Ile97=)

Gene: EIF4A2 (eukaryotic translation initiation factor 4A2; plus strand). Cytogenetic location: 3q27.3.
Variant type: single nucleotide variant.
Coding change: c.291T>A on transcript NM_001967.4 (MANE Select); coding-DNA position 291, T replaced by A.
Protein change: p.Ile97=; no amino-acid change (isoleucine 97 retained).
Molecular consequence: synonymous variant.
Genome position (GRCh38, 1-based): chr3:186,785,044, T>A. VCF-style: chr3-186785044-T-A. GRCh37 (hg19) VCF-style: chr3-186502833-T-A.
Identifiers: ClinVar variation 4822842 (VCV004822842.4).